The following is an entry in ClinVar:

NM_001374353.1(GLI2):c.3624G>T (p.Leu1208=)

Gene: GLI2 (GLI family zinc finger 2; plus strand). Cytogenetic location: 2q14.2.
Variant type: single nucleotide variant.
Coding change: c.3624G>T on transcript NM_001374353.1 (MANE Select); coding-DNA position 3624, G replaced by T.
Protein change: p.Leu1208=; no amino-acid change (leucine 1208 retained).
Molecular consequence: synonymous variant.
Genome position (GRCh38, 1-based): chr2:120,989,589, G>T. VCF-style: chr2-120989589-G-T. GRCh37 (hg19) VCF-style: chr2-121747165-G-T.
Other names: c.3675G>T (NM_005270.4); c.3675G>T, p.Leu1225= (NM_001371271.1, NM_005270.5); c.3249G>T, p.Leu1083= (NM_001374354.1).
Identifiers: ClinVar variation 2066596 (VCV002066596.5), dbSNP rs373416904, ClinGen allele CA1852456.
Genomic context (GRCh38, chr2:120,989,589, plus strand): 5'-GCAGCCCCGCAGCGGAGCCCCCTCCCAGGGCATCCCCAGGGTAAACTACATGCAGCAGCT[G>T]CGACAGCCAGTGGCAGGCAGCCAGTGTCCTGGCATGACTACCACTATGAGCCCCCATGCC-3'
Protein context (NP_001361282.1, residues 1198-1218): GIPRVNYMQQ[Leu1208=]RQPVAGSQCP

ClinVar aggregate classification (germline): Likely benign. Review status: criteria provided, multiple submitters, no conflicts (2 of 4 stars). 2 submissions from 2 submitters: Likely benign (2). Last evaluated 2025-03-20.

Conditions:
GLI2-related disorder. Also called: GLI2-related condition; GLI2-related disorders.
Holoprosencephaly 9 (HPE9). Also called: HOLOPROSENCEPHALY WITH MICROPHTHALMIA AND FIRST BRANCHIAL ARCH ANOMALIES; PITUITARY ANOMALIES WITH HOLOPROSENCEPHALY-LIKE FEATURES. Identifiers: Orphanet 2162, MedGen C1835819, MONDO:0012563, OMIM 610829.
Postaxial polydactyly-anterior pituitary anomalies-facial dysmorphism syndrome. Also called: Culler-Jones syndrome. Identifiers: Orphanet 420584, MedGen C4014479, MONDO:0014369, OMIM 615849.

Allele frequency attached by ClinVar (database versions not stated): ExAC 0.00003; gnomAD exomes 0.00003; TOPMed 0.00003; gnomAD 0.00005; ESP Exome Variant Server 0.00008.
gnomAD v4.1: 52 of 1,613,182 alleles (0.0032%); highest among the groups gnomAD compares: African/African-American, 0.0053%; no homozygotes.

Submissions (2):

PreventionGenetics, part of Exact Sciences
Classification: Likely benign for GLI2-related condition. Last evaluated: 2025-03-20. Review status: criteria provided, single submitter. Criteria: ACMG Guidelines, 2015. Collection method: clinical testing. Allele origin: germline.
Comment: This variant is classified as likely benign based on ACMG/AMP sequence variant interpretation guidelines (Richards et al. 2015 PMID: 25741868, with internal and published modifications).

Labcorp Genetics (formerly Invitae), Labcorp
Classification: Likely benign for Postaxial polydactyly-anterior pituitary anomalies-facial dysmorphism syndrome; Holoprosencephaly 9. Last evaluated: 2022-09-19. Review status: criteria provided, single submitter. Criteria: Invitae Variant Classification Sherloc (09022015). Collection method: clinical testing. Allele origin: germline.